The following is an entry in ClinVar:

ClinVar aggregate classification (germline): Uncertain significance (1 of 4 stars; one submission).

Allele frequency attached by ClinVar (database versions not stated): gnomAD exomes below 0.00001.
gnomAD v4.1: 2 of 1,610,644 alleles (0.00012%); highest among the groups gnomAD compares: Non-Finnish European, 0.000085%; no homozygotes.

Submission:

Labcorp Genetics (formerly Invitae), Labcorp
Classification: Uncertain significance. Last evaluated: 2022-03-30. Review status: criteria provided, single submitter. Criteria: Invitae Variant Classification Sherloc (09022015). Collection method: clinical testing. Allele origin: germline.
Comment: In summary, the available evidence is currently insufficient to determine the role of this variant in disease. Therefore, it has been classified as a Variant of Uncertain Significance. Algorithms developed to predict the effect of missense changes on protein structure and function are either unavailable or do not agree on the potential impact of this missense change (SIFT: "Not Available"; PolyPhen-2: "Probably Damaging"; Align-GVGD: "Not Available"). This variant has not been reported in the literature in individuals affected with HYOU1-related conditions. This sequence change replaces isoleucine, which is neutral and non-polar, with threonine, which is neutral and polar, at codon 891 of the HYOU1 protein (p.Ile891Thr). This variant is not present in population databases (gnomAD no frequency).

NM_006389.5(HYOU1):c.2672T>C (p.Ile891Thr)

Gene: HYOU1 (hypoxia up-regulated 1; minus strand). Cytogenetic location: 11q23.3.
Variant type: single nucleotide variant.
Coding change: c.2672T>C on transcript NM_006389.5 (MANE Select); coding-DNA position 2672, T replaced by C.
Protein change: p.Ile891Thr; replaces isoleucine 891 with threonine.
Molecular consequence: missense variant.
Genome position (GRCh38, 1-based): chr11:119,046,726, A>G on the plus strand (T>C on the coding strand, the complement: HYOU1 is on the minus strand). VCF-style: chr11-119046726-A-G. GRCh37 (hg19) VCF-style: chr11-118917438-A-G.
Other names: c.2672T>C, p.Ile891Thr (NM_001130991.3); short protein forms I891T.
Identifiers: ClinVar variation 1424388 (VCV001424388.8), dbSNP rs2134677485, ClinGen allele CA382919736.
Genomic context (GRCh38, chr11:119,046,726, plus strand): 5'-AACTTGGCCTTATTGAGCAGATACTGCACCTCTCGGTCCAGGGCCATCATCTTAGCTTCA[A>G]TGTCTTTTGAGAGCAACACAGGCTTCTCTGTGGCGGGCAGCTTAGCCTGCTCGGCCAGAG-3'
Protein context (NP_006380.1, residues 881-901): TEKPVLLSKD[Ile891Thr]EAKMMALDRE